The following is an entry in ClinVar:

NM_001953.5(TYMP):c.193A>G (p.Ser65Gly)

Gene: TYMP (thymidine phosphorylase; minus strand). Cytogenetic location: 22q13.33.
Variant type: single nucleotide variant.
Coding change: c.193A>G on transcript NM_001953.5 (MANE Select); coding-DNA position 193, A replaced by G.
Protein change: p.Ser65Gly; replaces serine 65 with glycine.
Molecular consequence: missense variant.
Genome position (GRCh38, 1-based): chr22:50,529,517, T>C on the plus strand (A>G on the coding strand, the complement: TYMP is on the minus strand). VCF-style: chr22-50529517-T-C. GRCh37 (hg19) VCF-style: chr22-50967946-T-C.
Other names: p.Ser65Gly; c.193A>G, p.Ser65Gly (NM_001113755.3, NM_001113756.3, NM_001257988.1 and 1 more transcripts); short protein forms S65G.
Identifiers: ClinVar variation 902222 (VCV000902222.13), dbSNP rs146922557, ClinGen allele CA10321860.

ClinVar aggregate classification (germline): Conflicting classifications of pathogenicity. Review status: criteria provided, conflicting classifications (1 of 4 stars). 3 submissions from 3 submitters: Uncertain significance (2); Likely benign (1). Last evaluated 2026-02-03.

Conditions:
Mitochondrial DNA depletion syndrome 1. Also called: Mitochondrial Neurogastrointestinal Encephalopathy Disease; Mitochondrial DNA depletion syndrome 1 (MNGIE type); Mitochondrial DNA Depletion Syndrome, MNGIE Form; MITOCHONDRIAL NEUROGASTROINTESTINAL ENCEPHALOPATHY SYNDROME, TYMP-RELATED; MNGIE, TYMP-RELATED; Mitochondrial neurogastrointestinal encephalomyopathy syndrome. Identifiers: Orphanet 298, MedGen C4551995, MONDO:0011283, OMIM 603041.

Allele frequency attached by ClinVar (database versions not stated): gnomAD 0.00005 and 0.00006; TOPMed 0.00006; gnomAD exomes 0.00008 and 0.00011; ExAC 0.00011; ESP Exome Variant Server 0.00023.
gnomAD v4.1: 171 of 1,612,826 alleles (0.011%); highest among the groups gnomAD compares: Non-Finnish European, 0.014%; no homozygotes.

Submissions (3):

Labcorp Genetics (formerly Invitae), Labcorp
Classification: Likely benign. Last evaluated: 2026-02-03. Review status: criteria provided, single submitter. Criteria: Invitae Variant Classification Sherloc (09022015). Collection method: clinical testing. Allele origin: germline.

Mayo Clinic Laboratories, Mayo Clinic
Classification: Uncertain significance. Last evaluated: 2025-10-20. Review status: criteria provided, single submitter. Criteria: ACMG Guidelines, 2015. Collection method: clinical testing. Allele origin: germline. Observed: 1 variant allele.
Comment: BP4, PM2_supporting

Illumina Laboratory Services, Illumina
Classification: Uncertain significance for Mitochondrial DNA depletion syndrome 1. Last evaluated: 2018-01-12. Review status: criteria provided, single submitter. Criteria: ICSL Variant Classification Criteria 13 December 2019. Collection method: clinical testing. Allele origin: germline.